The following is an entry in ClinVar:

GRCh38/hg38 12p13.31(chr12:7851162-7970710)x1

Genes: SLC2A14 (solute carrier family 2 member 14; minus strand), SLC2A3 (solute carrier family 2 member 3; minus strand), LOC116268430 (CRISPRi-validated cis-regulatory element chr12.444; plus strand), LOC116268431 (CRISPRi-validated cis-regulatory element chr12.445; plus strand), LOC129390395 (MPRA-validated peak1563 silencer; plus strand) and 5 more. Cytogenetic location: 12p13.31.
Variant type: copy number loss.
Change: copy number 1 (one copy instead of two) of chr12:7,851,162-7,970,710 (119.5 kb, GRCh38 coordinates, 1-based), cytogenetic band 12p13.31.
Identifiers: ClinVar variation 221742 (VCV000221742.2).

ClinVar aggregate classification (germline): Benign. Review status: criteria provided, single submitter (1 of 4 stars). 2 submissions from 2 submitters: Benign (1). 1 of the submissions does not count toward it. Last evaluated 2015-01-07.

Conditions:
Premature ovarian insufficiency (POF). Also called: Premature ovarian failure. Identifiers: MedGen C4303540, HP:0008209.
Normal pregnancy. Identifiers: MedGen C0232989.

Submissions (2):

Department of Biotechnology, Institute of Molecular and Cell Biology, University of Tartu
Classification: Benign for Primary ovarian failure. Last evaluated: 2015-01-07. Review status: criteria provided, single submitter. Criteria: ACMG CNV Guidelines, 2011. Collection method: reference population. Allele origin: unknown. Affected: yes. Observed: 1 variant allele.

Institute of Molecular and Cell Biology, University of Tartu
No classification provided. Condition: Normal pregnancy. Review status: no classification provided. Collection method: case-control. Allele origin: unknown. Affected: yes. Study: Kasak2014. Not counted in ClinVar's aggregate classification.
Comment: The study aimed to determine the contribution of copy number variants in the genetic etiology of normal and complicated pregnancies. The samples represented (i) maternal blood DNA drawn from healthy pregnant women during 1st or 2nd trimester and (ii) maternal and paternal blood DNA drawn at term pregnancy cases representing normal and complicated gestations (severe preeclampsia, PE; gestational diabetes, GD; small-for-gestational age newborn, SGA; large-for-gestational age newborn, LGA). We performed CNV calling based on genome-wide genotyping dataset (Illumina HumanOmniExpress-24-v1 BeadChip) by applying three algorithms, QuantiSNP, GADA (Genome Alteration Detection Algorithm) and CNstream in parallel. The acquired CNV calls were merged with HD-CNV (Hotspot Detector for Copy Number Variants) program and only the CNVs predicted by at least two programs, were considered in subsequent analysis.

Literature cited by the submitters: PubMed 25666259 (cited by Institute of Molecular and Cell Biology, University of Tartu).